The following is an entry in ClinVar:

NM_018076.5(ODAD2):c.279T>G (p.Phe93Leu)

Gene: ODAD2 (outer dynein arm docking complex subunit 2; minus strand). Cytogenetic location: 10p12.1.
Variant type: single nucleotide variant.
Coding change: c.279T>G on transcript NM_018076.5 (MANE Select); coding-DNA position 279, T replaced by G.
Protein change: p.Phe93Leu; replaces phenylalanine 93 with leucine.
Molecular consequence: missense variant.
Genome position (GRCh38, 1-based): chr10:27,987,489, A>C on the plus strand (T>G on the coding strand, the complement: ODAD2 is on the minus strand). VCF-style: chr10-27987489-A-C. GRCh37 (hg19) VCF-style: chr10-28276418-A-C.
Other names: c.279T>G, p.Phe93Leu (NM_001290020.2); short protein forms F93L.
Identifiers: ClinVar variation 660005 (VCV000660005.8), dbSNP rs1588667030, ClinGen allele CA376397693.

ClinVar aggregate classification (germline): Uncertain significance (1 of 4 stars; one submission).

Conditions:
Primary ciliary dyskinesia 23 (CILD23). Also called: CILIARY DYSKINESIA, PRIMARY, 23, WITH OR WITHOUT SITUS INVERSUS. Identifiers: Orphanet 244, MedGen C3809548, MONDO:0014193, OMIM 615451.

Submission:

Labcorp Genetics (formerly Invitae), Labcorp
Classification: Uncertain significance for Primary ciliary dyskinesia 23. Last evaluated: 2023-08-04. Review status: criteria provided, single submitter. Criteria: Invitae Variant Classification Sherloc (09022015). Collection method: clinical testing. Allele origin: germline.
Comment: This sequence change replaces phenylalanine, which is neutral and non-polar, with leucine, which is neutral and non-polar, at codon 93 of the ARMC4 protein (p.Phe93Leu). This variant is not present in population databases (gnomAD no frequency). This variant has not been reported in the literature in individuals affected with ARMC4-related conditions. ClinVar contains an entry for this variant (Variation ID: 660005). Algorithms developed to predict the effect of missense changes on protein structure and function output the following: SIFT: "Not Available"; PolyPhen-2: "Benign"; Align-GVGD: "Not Available". The leucine amino acid residue is found in multiple mammalian species, which suggests that this missense change does not adversely affect protein function. In summary, the available evidence is currently insufficient to determine the role of this variant in disease. Therefore, it has been classified as a Variant of Uncertain Significance.